The following is an entry in ClinVar:

NM_001378454.1(ALMS1):c.945T>C (p.Ser315=)

Gene: ALMS1 (ALMS1 centrosome and basal body associated protein; plus strand). Cytogenetic location: 2p13.1.
Variant type: single nucleotide variant.
Coding change: c.945T>C on transcript NM_001378454.1 (MANE Select); coding-DNA position 945, T replaced by C.
Protein change: p.Ser315=; no amino-acid change (serine 315 retained).
Molecular consequence: synonymous variant.
Genome position (GRCh38, 1-based): chr2:73,424,610, T>C. VCF-style: chr2-73424610-T-C. GRCh37 (hg19) VCF-style: chr2-73651738-T-C.
Other names: c.948T>C, p.Ser316= (NM_015120.4).
Identifiers: ClinVar variation 241017 (VCV000241017.57), dbSNP rs183390773, ClinGen allele CA1713015.

ClinVar aggregate classification (germline): Benign/Likely benign. Review status: criteria provided, multiple submitters, no conflicts (2 of 4 stars). 13 submissions from 13 submitters: Benign (1); Likely benign (8). 4 of the submissions do not count toward it. Last evaluated 2026-02-04.

Conditions:
Cardiovascular phenotype. Identifiers: MedGen CN230736.
Alstrom syndrome (ALMS). Identifiers: Orphanet 64, MedGen C0268425, MONDO:0008763, OMIM 203800.

Allele frequency attached by ClinVar (database versions not stated): 1000 Genomes Project 0.00060; 1000 Genomes Project 30x 0.00094; TOPMed 0.00109; gnomAD 0.00113 and 0.00119; ExAC 0.00124; ESP Exome Variant Server 0.00125; gnomAD exomes 0.00129 and 0.00151.
gnomAD v4.1: 2,372 of 1,614,020 alleles (0.15%); highest among the groups gnomAD compares: Non-Finnish European, 0.17%; 2 homozygotes.

Submissions (13):

Labcorp Genetics (formerly Invitae), Labcorp
Classification: Benign for Alstrom syndrome. Last evaluated: 2026-02-04. Review status: criteria provided, single submitter. Criteria: Invitae Variant Classification Sherloc (09022015). Collection method: clinical testing. Allele origin: germline.

CeGaT Center for Human Genetics Tuebingen
Classification: Likely benign. Last evaluated: 2026-02-01. Review status: criteria provided, single submitter. Criteria: CeGaT Center For Human Genetics Tuebingen Variant Classification Criteria Version 2. Collection method: clinical testing. Allele origin: germline. Affected: yes. Observed: 6 variant alleles.
Comment: ALMS1: BP4, BP7

Women's Health and Genetics/Laboratory Corporation of America, LabCorp
Classification: Likely benign. Last evaluated: 2025-04-14. Review status: criteria provided, single submitter. Criteria: LabCorp Variant Classification Summary - May 2015. Collection method: clinical testing. Allele origin: germline.

Blueprint Genetics
Classification: Likely benign. Last evaluated: 2024-11-18. Review status: criteria provided, single submitter. Criteria: ACMG Guidelines, 2015. Collection method: clinical testing. Allele origin: germline.

GeneDx
Classification: Likely benign. Last evaluated: 2021-09-21. Review status: criteria provided, single submitter. Criteria: GeneDx Variant Classification Process June 2021. Collection method: clinical testing. Allele origin: germline. Affected: yes.

ARUP Laboratories, Molecular Genetics and Genomics, ARUP Laboratories
Classification: Likely benign for Alstrom syndrome. Last evaluated: 2021-05-22. Review status: criteria provided, single submitter. Criteria: ARUP Molecular Germline Variant Investigation Process 2021. Collection method: clinical testing. Allele origin: germline.

Ambry Genetics
Classification: Likely benign for Cardiovascular phenotype. Last evaluated: 2019-01-09. Review status: criteria provided, single submitter. Criteria: Ambry Variant Classification Scheme 2023. Collection method: clinical testing. Allele origin: germline.

Genetic Services Laboratory, University of Chicago
Classification: Likely benign. Last evaluated: 2018-07-24. Review status: criteria provided, single submitter. Criteria: ACMG Guidelines, 2015. Collection method: clinical testing. Allele origin: germline. Affected: no.

Breakthrough Genomics
Classification: Likely benign. Review status: criteria provided, single submitter. Criteria: ACMG Guidelines, 2015. Collection method: not provided. Allele origin: germline. Inheritance: Autosomal recessive inheritance. Affected: yes.

Natera, Inc.
Classification: Likely benign for Alstrom syndrome. Last evaluated: 2019-12-05. Review status: no assertion criteria provided. Collection method: clinical testing. Allele origin: germline. Not counted in ClinVar's aggregate classification.

Clinical Genetics DNA and cytogenetics Diagnostics Lab, Erasmus MC, Erasmus Medical Center
Classification: Likely benign. Review status: no assertion criteria provided. Collection method: clinical testing. Allele origin: germline. Affected: yes. Study: VKGL Data-share Consensus. Not counted in ClinVar's aggregate classification.

Clinical Genetics, Academic Medical Center
Classification: Benign. Review status: no assertion criteria provided. Collection method: clinical testing. Allele origin: germline. Affected: yes. Study: VKGL Data-share Consensus. Not counted in ClinVar's aggregate classification.

Genome Diagnostics Laboratory, University Medical Center Utrecht
Classification: Likely benign. Review status: no assertion criteria provided. Collection method: clinical testing. Allele origin: germline. Affected: yes. Study: VKGL Data-share Consensus. Not counted in ClinVar's aggregate classification.